The following is an entry in ClinVar:

ClinVar aggregate classification (germline): Uncertain significance (1 of 4 stars; one submission).

Conditions:
Corneal dystrophy. Identifiers: Orphanet 34533, MedGen C0010036, MONDO:0018102, HP:0001131.

Submission:

Genetics Laboratory, Great Ormond Street Hospital NHS Foundation Trust, North Thames Genomic Laboratory Hub
Classification: Uncertain significance for Corneal dystrophy. Last evaluated: 2026-02-12. Review status: criteria provided, single submitter. Criteria: ACGS Best Practice Guidelines for Variant Classification in Rare Disease 2024 v1.2. Collection method: clinical testing. Allele origin: germline. Affected: yes.
Comment: PS4_moderate, PM2_moderate, PP3_supporting

NM_013319.3(UBIAD1):c.521A>G (p.Tyr174Cys)

Gene: UBIAD1 (UbiA prenyltransferase domain containing 1; plus strand). Cytogenetic location: 1p36.22.
Variant type: single nucleotide variant.
Coding change: c.521A>G on transcript NM_013319.3 (MANE Select); coding-DNA position 521, A replaced by G.
Protein change: p.Tyr174Cys; replaces tyrosine 174 with cysteine.
Molecular consequence: missense variant.
Genome position (GRCh38, 1-based): chr1:11,274,052, A>G. VCF-style: chr1-11274052-A-G. GRCh37 (hg19) VCF-style: chr1-11334109-A-G.
Other names: c.521A>G, p.Tyr174Cys (NM_001330349.2, NM_001330350.2); short protein forms Y174C.
Identifiers: ClinVar variation 4820017 (VCV004820017.1).